The following is an entry in ClinVar:

NM_000023.4(SGCA):c.861G>A (p.Leu287=)

Gene: SGCA (sarcoglycan alpha; plus strand). Cytogenetic location: 17q21.33.
Variant type: single nucleotide variant.
Coding change: c.861G>A on transcript NM_000023.4 (MANE Select); coding-DNA position 861, G replaced by A.
Protein change: p.Leu287=; no amino-acid change (leucine 287 retained).
Molecular consequence: synonymous variant. On other transcripts: intron variant (1).
Genome position (GRCh38, 1-based): chr17:50,170,256, G>A. VCF-style: chr17-50170256-G-A. GRCh37 (hg19) VCF-style: chr17-48247617-G-A.
Other names: c.861G>A (LRG_203t1); c.585-384G>A (NM_001135697.3).
Identifiers: ClinVar variation 512160 (VCV000512160.5), dbSNP rs1555569293, ClinGen allele CA500829686.

ClinVar aggregate classification (germline): Conflicting classifications of pathogenicity. Review status: criteria provided, conflicting classifications (1 of 4 stars). 2 submissions from 2 submitters: Uncertain significance (1); Likely benign (1). Last evaluated 2018-06-15.

Allele frequency attached by ClinVar (database versions not stated): gnomAD exomes below 0.00001.
gnomAD v4.1: 2 of 1,614,204 alleles (0.00012%); highest among the groups gnomAD compares: African/African-American, 0.0013%; no homozygotes.

Submissions (2):

Eurofins Ntd Llc (ga)
Classification: Uncertain significance. Last evaluated: 2018-06-15. Review status: criteria provided, single submitter. Criteria: EGL ClinVar v180209 classification definitions. Collection method: clinical testing. Allele origin: germline. Observed: 1 variant allele, 1 heterozygote.

GeneDx
Classification: Likely benign. Last evaluated: 2017-09-21. Review status: criteria provided, single submitter. Criteria: GeneDx Variant Classification (06012015). Collection method: clinical testing. Allele origin: germline. Affected: yes.
Comment: This variant is considered likely benign or benign based on one or more of the following criteria: it is a conservative change, it occurs at a poorly conserved position in the protein, it is predicted to be benign by multiple in silico algorithms, and/or has population frequency not consistent with disease.